The following is an entry in ClinVar:

ClinVar aggregate classification (germline): Uncertain significance (1 of 4 stars; one submission).

Conditions:
Neuropathy, hereditary sensory, type 1F. Also called: HSN IF; Hereditary sensory neuropathy type IF. Identifiers: Orphanet 36386, MedGen C3810194, MONDO:0014286, OMIM 615632.

Submission:

Labcorp Genetics (formerly Invitae), Labcorp
Classification: Uncertain significance for Neuropathy, hereditary sensory, type 1F. Last evaluated: 2026-01-11. Review status: criteria provided, single submitter. Criteria: Invitae Variant Classification Sherloc (09022015). Collection method: clinical testing. Allele origin: germline.
Comment: This sequence change affects codon 333 of the ATL3 mRNA. It is a 'silent' change, meaning that it does not change the encoded amino acid sequence of the ATL3 protein. This variant is not present in population databases (gnomAD no frequency). This variant has not been reported in the literature in individuals affected with ATL3-related conditions. Algorithms developed to predict the effect of sequence changes on RNA splicing suggest that this variant may disrupt the consensus splice site. In summary, the available evidence is currently insufficient to determine the role of this variant in disease. Therefore, it has been classified as a Variant of Uncertain Significance.

NM_015459.5(ATL3):c.999A>G (p.Gln333=)

Genes: ATL3 (atlastin GTPase 3; minus strand), LNCROPM (lncRNA regulator of PLAAT3 mediated phospholipid metabolism; plus strand). Cytogenetic location: 11q13.1.
Variant type: single nucleotide variant.
Coding change: c.999A>G on transcript NM_015459.5 (MANE Select); coding-DNA position 999, A replaced by G.
Protein change: p.Gln333=; no amino-acid change (glutamine 333 retained).
Molecular consequence: synonymous variant.
Genome position (GRCh38, 1-based): chr11:63,635,570, T>C on the plus strand (A>G on the coding strand, the complement: ATL3 is on the minus strand). VCF-style: chr11-63635570-T-C. GRCh37 (hg19) VCF-style: chr11-63403042-T-C.
Other names: c.945A>G, p.Gln315= (NM_001290048.2); c.948A>G, p.Gln316= (NM_001440716.1); c.942A>G, p.Gln314= (NM_001440717.1); c.999A>G, p.Gln333= (NM_001440718.1); c.894A>G, p.Gln298= (NM_001440719.1); c.888A>G, p.Gln296= (NM_001440720.1); c.843A>G, p.Gln281= (NM_001440721.1); c.786A>G, p.Gln262= (NM_001440722.1).
Identifiers: ClinVar variation 4765369 (VCV004765369.1).